The following is an entry in ClinVar:

NM_001267550.2(TTN):c.90845C>T (p.Thr30282Met)

Genes: TTN (titin; minus strand), TTN-AS1 (TTN antisense RNA 1; plus strand). Cytogenetic location: 2q31.2.
Variant type: single nucleotide variant.
Coding change: c.90845C>T on transcript NM_001267550.2 (MANE Select); coding-DNA position 90845, C replaced by T.
Protein change: p.Thr30282Met; replaces threonine 30282 with methionine.
Molecular consequence: missense variant.
Genome position (GRCh38, 1-based): chr2:178,552,055, G>A on the plus strand (C>T on the coding strand, the complement: TTN is on the minus strand). VCF-style: chr2-178552055-G-A. GRCh37 (hg19) VCF-style: chr2-179416782-G-A.
Other names: c.85922C>T, p.Thr28641Met (NM_001256850.1); c.63650C>T, p.Thr21217Met (NM_003319.4); c.83141C>T, p.Thr27714Met (NM_133378.4); c.64025C>T, p.Thr21342Met (NM_133432.3); c.64226C>T, p.Thr21409Met (NM_133437.4); short protein forms T27714M, T30282M, T21217M, T21409M, T21342M, T28641M.
Identifiers: ClinVar variation 263651 (VCV000263651.6), dbSNP rs756769026, ClinGen allele CA1987735.

ClinVar aggregate classification (germline): Uncertain significance. Review status: criteria provided, multiple submitters, no conflicts (2 of 4 stars). 4 submissions from 4 submitters: Uncertain significance (2). 2 of the submissions do not count toward it. Last evaluated 2023-05-23.

Conditions:
Cardiovascular phenotype. Identifiers: MedGen CN230736.

Allele frequency attached by ClinVar (database versions not stated): ExAC 0.00003; gnomAD exomes 0.00003; gnomAD 0.00004 and 0.00005; TOPMed 0.00006.
gnomAD v4.1: 40 of 1,613,560 alleles (0.0025%); highest among the groups gnomAD compares: Admixed American, 0.0083%; no homozygotes.

Submissions (4):

Women's Health and Genetics/Laboratory Corporation of America, LabCorp
Classification: Uncertain significance. Last evaluated: 2023-05-23. Review status: criteria provided, single submitter. Criteria: LabCorp Variant Classification Summary - May 2015. Collection method: clinical testing. Allele origin: germline.
Comment: Variant summary: TTN c.83141C>T (p.Thr27714Met) results in a non-conservative amino acid change located in the A-band region of the encoded protein sequence. Five of five in-silico tools predict a damaging effect of the variant on protein function. The variant allele was found at a frequency of 3.2e-05 in 248638 control chromosomes (i.e., 8 heterozygous carriers; gnomAD v2.1, Exomes cohort). The available data on variant occurrences in the general population are insufficient to allow any conclusion about variant significance. To our knowledge, no occurrence of c.83141C>T in individuals affected with Dilated Cardiomyopathy and no experimental evidence demonstrating its impact on protein function have been reported. No clinical diagnostic laboratories have submitted clinical-significance assessments for this variant to ClinVar after 2014. Based on the evidence outlined above, the variant was classified as uncertain significance.

Ambry Genetics
Classification: Uncertain significance for Cardiovascular phenotype. Last evaluated: 2013-06-10. Review status: criteria provided, single submitter. Criteria: Ambry Autosomal Dominant and X-Linked criteria (10/2015). Collection method: clinical testing. Allele origin: germline. Observed: 1 variant allele.
Comment: There is insufficient or conflicting evidence for classification of this alteration.

Genome Diagnostics Laboratory, University Medical Center Utrecht
Classification: Uncertain significance. Review status: no assertion criteria provided. Collection method: clinical testing. Allele origin: germline. Affected: yes. Study: VKGL Data-share Consensus. Not counted in ClinVar's aggregate classification.

Joint Genome Diagnostic Labs from Nijmegen and Maastricht, Radboudumc and MUMC+
Classification: Uncertain significance. Review status: no assertion criteria provided. Collection method: clinical testing. Allele origin: germline. Affected: yes. Study: VKGL Data-share Consensus. Not counted in ClinVar's aggregate classification.